The following is an entry in ClinVar:

NM_001267550.2(TTN):c.33469G>A (p.Glu11157Lys)

Gene: TTN (titin; minus strand). Cytogenetic location: 2q31.2.
Variant type: single nucleotide variant.
Coding change: c.33469G>A on transcript NM_001267550.2 (MANE Select); coding-DNA position 33469, G replaced by A.
Protein change: p.Glu11157Lys; replaces glutamic acid 11157 with lysine.
Molecular consequence: missense variant. On other transcripts: intron variant (3).
Genome position (GRCh38, 1-based): chr2:178,680,005, C>T on the plus strand (G>A on the coding strand, the complement: TTN is on the minus strand). VCF-style: chr2-178680005-C-T. GRCh37 (hg19) VCF-style: chr2-179544732-C-T.
Other names: c.32518G>A, p.Glu10840Lys (NM_001256850.1); c.29737G>A, p.Glu9913Lys (NM_133378.4); c.13283-37688G>A (NM_003319.4); c.13859-37688G>A (NM_133437.4); c.13658-37688G>A (NM_133432.3); short protein forms E10840K, E11157K, E9913K.
Identifiers: ClinVar variation 2651667 (VCV002651667.24), dbSNP rs1231299676, ClinGen allele CA349537805.

ClinVar aggregate classification (germline): Uncertain significance (1 of 4 stars; one submission).

Allele frequency attached by ClinVar (database versions not stated): TOPMed below 0.00001; gnomAD 0.00001.
gnomAD v4.1: 1 of 1,613,126 alleles (0.000062%); highest among the groups gnomAD compares: Non-Finnish European, 0.000085%; no homozygotes.

Submission:

CeGaT Center for Human Genetics Tuebingen
Classification: Uncertain significance. Last evaluated: 2023-02-01. Review status: criteria provided, single submitter. Criteria: CeGaT Center For Human Genetics Tuebingen Variant Classification Criteria Version 2. Collection method: clinical testing. Allele origin: germline. Affected: yes. Observed: 1 variant allele.
Comment: TTN: PM2, BP4